The following is an entry in ClinVar:

ClinVar aggregate classification (germline): Pathogenic/Likely pathogenic. Review status: criteria provided, multiple submitters, no conflicts (2 of 4 stars). 4 submissions from 4 submitters: Pathogenic (2); Likely pathogenic (1). 1 of the submissions does not count toward it. Last evaluated 2024-09-08.

Conditions:
Prostate cancer. Also called: Malignant tumor of prostate. Identifiers: Orphanet 1331, MedGen C0376358, MONDO:0008315, HP:0012125.
Fanconi anemia complementation group D1. Also called: BRCA2-Related Fanconi Anemia. Identifiers: Orphanet 319462, MedGen C1838457, MONDO:0011584, OMIM 605724.
Medulloblastoma (MDB). Also called: MEDULLOBLASTOMA PREDISPOSITION SYNDROME; Medulloblastoma, somatic. Identifiers: Orphanet 616, MedGen C0025149, MeSH D008527, MONDO:0007959, OMIM 155255, HP:0002885.
Wilms tumor 1 (WT1). Also called: Wilms tumor, somatic. Identifiers: Orphanet 654, MedGen CN033288, MONDO:0008679, OMIM 194070.
Familial cancer of breast. Also called: BREAST CANCER, FAMILIAL; Hereditary breast cancer; hereditary breast carcinoma. Identifiers: Orphanet 227535, MedGen C0346153, MONDO:0016419, OMIM 114480. Disease mechanism: loss of function.
Breast-ovarian cancer, familial, susceptibility to, 2 (BROVCA2). Also called: BRCA2 Hereditary Breast and Ovarian Cancer. Identifiers: Orphanet 145, MedGen C2675520, MONDO:0012933, OMIM 612555. Disease mechanism: loss of function.
Pancreatic cancer, susceptibility to, 2. Identifiers: Orphanet 1333, MedGen C3150546, MONDO:0013235, OMIM 613347.
Glioma susceptibility 3 (GLM3). Also called: Glioblastoma 3. Identifiers: Orphanet 182067, Orphanet 360, MedGen C2751641, MONDO:0013093, OMIM 613029.
Hereditary cancer-predisposing syndrome. Also called: Tumor predisposition; Neoplastic Syndromes, Hereditary; Hereditary Cancer Syndrome; Hereditary neoplastic syndrome. Identifiers: Orphanet 140162, MedGen C0027672, MeSH D009386, MONDO:0015356.

Submissions (4):

Molecular Diagnostics Laboratory, Catalan Institute of Oncology
Classification: Likely pathogenic for Hereditary cancer-predisposing syndrome. Last evaluated: 2024-09-08. Review status: criteria provided, single submitter. Criteria: ClinGen BRCA1BRCA2 ACMG Specifications BRCA2 V1.0.0. Collection method: clinical testing. Allele origin: germline.
Comment: PVS1_RNA, PM2_Supporting c.8332-1G>A, located in a canonic splicing site of the BRCA2 gene, is predicted to alter splicing. This variant showed abolition of the wild-type donor site of exon 19 and activation of a cryptic acceptor splice site (r.8332_8345del), generating a truncated protein (p.Ile2778Tyrfs*15) (PMID:  21735045) (PVS1_RNA). It is not present in the population database gnomAD v2.1.1, non cancer dataset (PM2_supporting). It has been reported in multiple cancer-affected individuals (PMID: 35171259, 30175445, 36922933, 29297111, data from our clinical cohort of patients). In addition, the variant has been identified in the ClinVar database (3x pathogenic), and BRCA Exchange database, (where it has not been reviewed yet), and in the LOVD database (2x pathogenic). Based on currently available information, the variant c.8332-1G>A should be considered a pathogenic variant.

Fulgent Genetics
Classification: Pathogenic for Familial cancer of breast; Medulloblastoma; Familial prostate cancer; Wilms tumor 1; Fanconi anemia complementation group D1; Breast-ovarian cancer, familial, susceptibility to, 2; Glioma susceptibility 3; Pancreatic cancer, susceptibility to, 2. Last evaluated: 2021-12-21. Review status: criteria provided, single submitter. Criteria: ACMG Guidelines, 2015. Collection method: clinical testing. Allele origin: unknown.

Consortium of Investigators of Modifiers of BRCA1/2 (CIMBA), c/o University of Cambridge
Classification: Pathogenic for Breast-ovarian cancer, familial, susceptibility to, 2. Last evaluated: 2015-10-02. Review status: criteria provided, single submitter. Criteria: CIMBA Mutation Classification guidelines May 2016. Collection method: clinical testing. Allele origin: germline.

BRCAlab, Lund University
Classification: Pathogenic for Breast-ovarian cancer, familial, susceptibility to, 2. Last evaluated: 2022-08-26. Review status: no assertion criteria provided. Collection method: clinical testing. Allele origin: germline. Affected: yes. Not counted in ClinVar's aggregate classification.

NM_000059.4(BRCA2):c.8332-1G>A

Gene: BRCA2 (BRCA2 DNA repair associated; plus strand). Cytogenetic location: 13q13.1.
Variant type: single nucleotide variant.
Coding change: c.8332-1G>A on transcript NM_000059.4 (MANE Select); the canonical splice acceptor site of the intron before coding-DNA position 8332, G replaced by A.
Molecular consequence: splice acceptor variant.
Genome position (GRCh38, 1-based): chr13:32,370,401, G>A. VCF-style: chr13-32370401-G-A. GRCh37 (hg19) VCF-style: chr13-32944538-G-A.
Other names: c.8332-1G>A (NM_001406720.1); c.8236-1G>A (NM_001406719.1); c.3400-1G>A (NM_001406721.1); c.1915-1G>A (NM_001406722.1).
Identifiers: ClinVar variation 267696 (VCV000267696.26), dbSNP rs397507979, ClinGen allele CA10602547.